The following is an entry in ClinVar:

ClinVar aggregate classification (germline): Benign/Likely benign. Review status: criteria provided, multiple submitters, no conflicts (2 of 4 stars). 4 submissions from 3 submitters: Benign (3); Likely benign (1). Last evaluated 2026-01-20.

Conditions:
Fibromuscular dysplasia, multifocal. Identifiers: MedGen C5543412, MONDO:0859151, OMIM 619329.
Ehlers-Danlos syndrome, classic type, 1 (EDSCL1). Also called: Ehlers-Danlos Syndrome, Classic Type, COL5A1-Related; EHLERS-DANLOS SYNDROME, GRAVIS TYPE; EHLERS-DANLOS SYNDROME, SEVERE CLASSIC TYPE; Ehlers-Danlos syndrome, type 1; EDS I. Identifiers: MedGen C0268335, MONDO:0019567, OMIM 130000.

Allele frequency attached by ClinVar (database versions not stated): TOPMed 0.00001; ESP Exome Variant Server 0.00008; gnomAD 0.00003.
gnomAD v4.1: 37 of 1,614,014 alleles (0.0023%); highest among the groups gnomAD compares: Middle Eastern, 0.033%; no homozygotes.

Submissions (4):

Labcorp Genetics (formerly Invitae), Labcorp
Classification: Likely benign for Ehlers-Danlos syndrome, classic type, 1. Last evaluated: 2026-01-20. Review status: criteria provided, single submitter. Criteria: Invitae Variant Classification Sherloc (09022015). Collection method: clinical testing. Allele origin: germline.

Genome-Nilou Lab
Classification: Benign for Ehlers-Danlos syndrome, classic type, 1. Last evaluated: 2022-03-15. Review status: criteria provided, single submitter. Criteria: ACMG Guidelines, 2015. Collection method: clinical testing. Allele origin: germline. Affected: no.

Genome-Nilou Lab
Classification: Benign for Fibromuscular dysplasia, multifocal. Last evaluated: 2022-03-15. Review status: criteria provided, single submitter. Criteria: ACMG Guidelines, 2015. Collection method: clinical testing. Allele origin: germline. Affected: no.

GeneDx
Classification: Benign. Last evaluated: 2015-03-02. Review status: criteria provided, single submitter. Criteria: GeneDx Variant Classification (06012015). Collection method: clinical testing. Allele origin: germline. Affected: yes.
Comment: This variant is considered likely benign or benign based on one or more of the following criteria: it is a conservative change, it occurs at a poorly conserved position in the protein, it is predicted to be benign by multiple in silico algorithms, and/or has population frequency not consistent with disease.

NM_000093.5(COL5A1):c.5371-15C>T

Genes: COL5A1 (collagen type V alpha 1 chain; plus strand), LOC101448202 (uncharacterized LOC101448202; minus strand). Cytogenetic location: 9q34.3.
Variant type: single nucleotide variant.
Coding change: c.5371-15C>T on transcript NM_000093.5 (MANE Select); 15 bases into the intron before coding-DNA position 5371, C replaced by T.
Molecular consequence: intron variant.
Genome position (GRCh38, 1-based): chr9:134,842,142, C>T. VCF-style: chr9-134842142-C-T. GRCh37 (hg19) VCF-style: chr9-137733988-C-T.
Other names: c.5371-15C>T (NM_001278074.1).
Identifiers: ClinVar variation 212913 (VCV000212913.10), dbSNP rs369764872, ClinGen allele CA320049.